The following is an entry in ClinVar:

ClinVar aggregate classification (germline): Uncertain significance (1 of 4 stars; one submission).

Conditions:
CEP164-related disorder. Also called: CEP164-related condition.

gnomAD v4.1: 1 of 1,612,172 alleles (0.000062%); highest among the groups gnomAD compares: Non-Finnish European, 0.000085%; no homozygotes.

Submission:

PreventionGenetics, part of Exact Sciences
Classification: Uncertain significance for CEP164-related condition. Last evaluated: 2026-03-03. Review status: criteria provided, single submitter. Criteria: ACMG Guidelines, 2015. Collection method: clinical testing. Allele origin: germline.
Comment: The CEP164 c.562G>A variant is predicted to result in the amino acid substitution p.Gly188Ser. To our knowledge, this variant has not been reported in the literature or in a large population database (gnomAD), indicating this variant is rare. At this time, the clinical significance of this variant is uncertain due to the absence of conclusive functional and genetic evidence.

NM_014956.5(CEP164):c.562G>A (p.Gly188Ser)

Gene: CEP164 (centrosomal protein 164; plus strand). Cytogenetic location: 11q23.3.
Variant type: single nucleotide variant.
Coding change: c.562G>A on transcript NM_014956.5 (MANE Select); coding-DNA position 562, G replaced by A.
Protein change: p.Gly188Ser; replaces glycine 188 with serine.
Molecular consequence: missense variant.
Genome position (GRCh38, 1-based): chr11:117,362,413, G>A. VCF-style: chr11-117362413-G-A. GRCh37 (hg19) VCF-style: chr11-117233129-G-A.
Other names: c.562G>A, p.Gly188Ser (NM_001271933.2, NM_001440949.1, NM_001440950.1 and 36 more transcripts); c.424G>A, p.Gly142Ser (NM_001440960.1); short protein forms G142S, G188S.
Identifiers: ClinVar variation 4982600 (VCV004982600.1).